The following is an entry in ClinVar:

NM_000218.3(KCNQ1):c.1393+32098_1393+32099insGT

Genes: KCNQ1 (potassium voltage-gated channel subfamily Q member 1; plus strand), KCNQ1OT1 (KCNQ1 opposite strand/antisense transcript 1; minus strand). Cytogenetic location: 11p15.5.
Variant type: Insertion.
Coding change: c.1393+32098_1393+32099insGT on transcript NM_000218.3 (MANE Select); bases 32098 to 32099 of the intron after coding-DNA position 1393, GT inserted.
Molecular consequence: intron variant. On other transcripts: non-coding transcript variant (1).
Genome position: GRCh38 VCF-style: chr11-2620951-T-TTG. GRCh37 (hg19) VCF-style: chr11-2642181-T-TTG.
Other names: c.1123+32098_1123+32099insGT (NM_001406837.1); c.1297+32098_1297+32099insGT (NM_001406836.1); c.853+32098_853+32099insGT (NM_001406838.1); c.1012+32098_1012+32099insGT (NM_181798.2).
Identifiers: ClinVar variation 3026345 (VCV003026345.22), dbSNP rs763890833, ClinGen allele CA216362392.

ClinVar aggregate classification (germline): Likely benign (1 of 4 stars; one submission).

Submission:

CeGaT Center for Human Genetics Tuebingen
Classification: Likely benign. Last evaluated: 2024-02-01. Review status: criteria provided, single submitter. Criteria: CeGaT Center For Human Genetics Tuebingen Variant Classification Criteria Version 2. Collection method: clinical testing. Allele origin: germline. Affected: yes. Observed: 1 variant allele.
Comment: KCNQ1OT1: BS1